The following is an entry in ClinVar:

ClinVar aggregate classification (germline): Uncertain significance. Review status: criteria provided, multiple submitters, no conflicts (2 of 4 stars). 2 submissions from 2 submitters: Uncertain significance (2). Last evaluated 2024-06-26.

Conditions:
Norman-Roberts syndrome (LIS2). Also called: Lissencephaly 2 (Norman-Roberts type). Identifiers: Orphanet 89844, MedGen C0796089, MONDO:0009760, OMIM 257320.
Familial temporal lobe epilepsy 7. Identifiers: Orphanet 101046, MedGen C4225327, MONDO:0014639, OMIM 616436.

Allele frequency attached by ClinVar (database versions not stated): gnomAD exomes below 0.00001; ExAC 0.00001.
gnomAD v4.1: 3 of 1,614,048 alleles (0.00019%); highest among the groups gnomAD compares: Middle Eastern, 0.033%; no homozygotes.

Submissions (2):

Blueprint Genetics
Classification: Uncertain significance. Last evaluated: 2024-06-26. Review status: criteria provided, single submitter. Criteria: ACMG Guidelines, 2015. Collection method: clinical testing. Allele origin: germline.

Labcorp Genetics (formerly Invitae), Labcorp
Classification: Uncertain significance for Familial temporal lobe epilepsy 7; Norman-Roberts syndrome. Last evaluated: 2019-02-27. Review status: criteria provided, single submitter. Criteria: Invitae Variant Classification Sherloc (09022015). Collection method: clinical testing. Allele origin: germline.
Comment: This variant has not been reported in the literature in individuals with RELN-related conditions. This sequence change replaces glutamine with arginine at codon 3341 of the RELN protein (p.Gln3341Arg). The glutamine residue is highly conserved and there is a small physicochemical difference between glutamine and arginine. This variant is present in population databases (rs752958651, ExAC 0.001%). Algorithms developed to predict the effect of missense changes on protein structure and function are either unavailable or do not agree on the potential impact of this missense change (SIFT: "Deleterious"; PolyPhen-2: "Benign"; Align-GVGD: "Class C0"). In summary, the available evidence is currently insufficient to determine the role of this variant in disease. Therefore, it has been classified as a Variant of Uncertain Significance.

NM_005045.4(RELN):c.10022A>G (p.Gln3341Arg)

Genes: RELN (reelin; minus strand), SLC26A5-AS1 (SLC26A5 antisense RNA 1; plus strand). Cytogenetic location: 7q22.1.
Variant type: single nucleotide variant.
Coding change: c.10022A>G on transcript NM_005045.4 (MANE Select); coding-DNA position 10022, A replaced by G.
Protein change: p.Gln3341Arg; replaces glutamine 3341 with arginine.
Molecular consequence: missense variant.
Genome position (GRCh38, 1-based): chr7:103,483,812, T>C on the plus strand (A>G on the coding strand, the complement: RELN is on the minus strand). VCF-style: chr7-103483812-T-C. GRCh37 (hg19) VCF-style: chr7-103124259-T-C.
Other names: c.10022A>G, p.Gln3341Arg (NM_173054.3); short protein forms Q3341R.
Identifiers: ClinVar variation 844784 (VCV000844784.10), dbSNP rs752958651, ClinGen allele CA4420064.